The following is an entry in ClinVar:

NM_003051.4(SLC16A1):c.88A>G (p.Ile30Val)

Gene: SLC16A1 (solute carrier family 16 member 1; minus strand). Cytogenetic location: 1p13.2.
Variant type: single nucleotide variant.
Coding change: c.88A>G on transcript NM_003051.4 (MANE Select); coding-DNA position 88, A replaced by G.
Protein change: p.Ile30Val; replaces isoleucine 30 with valine.
Molecular consequence: missense variant.
Genome position (GRCh38, 1-based): chr1:112,929,221, T>C on the plus strand (A>G on the coding strand, the complement: SLC16A1 is on the minus strand). VCF-style: chr1-112929221-T-C. GRCh37 (hg19) VCF-style: chr1-113471843-T-C.
Other names: c.88A>G, p.Ile30Val (NM_001166496.2); short protein forms I30V.
Identifiers: ClinVar variation 2966654 (VCV002966654.3), dbSNP rs1022661813, ClinGen allele CA29392293.

ClinVar aggregate classification (germline): Uncertain significance (1 of 4 stars; one submission).

Allele frequency attached by ClinVar (database versions not stated): gnomAD exomes below 0.00001; TOPMed 0.00001.
gnomAD v4.1: 6 of 1,614,122 alleles (0.00037%); highest among the groups gnomAD compares: Non-Finnish European, 0.00051%; no homozygotes.

Submission:

Labcorp Genetics (formerly Invitae), Labcorp
Classification: Uncertain significance. Last evaluated: 2023-09-03. Review status: criteria provided, single submitter. Criteria: Invitae Variant Classification Sherloc (09022015). Collection method: clinical testing. Allele origin: germline.
Comment: This sequence change replaces isoleucine, which is neutral and non-polar, with valine, which is neutral and non-polar, at codon 30 of the SLC16A1 protein (p.Ile30Val). This variant is present in population databases (no rsID available, gnomAD 0.0009%). This variant has not been reported in the literature in individuals affected with SLC16A1-related conditions. An algorithm developed to predict the effect of missense changes on protein structure and function (PolyPhen-2) suggests that this variant is likely to be tolerated. In summary, the available evidence is currently insufficient to determine the role of this variant in disease. Therefore, it has been classified as a Variant of Uncertain Significance.